The following is an entry in ClinVar:

ClinVar aggregate classification (germline): Pathogenic/Likely pathogenic. Review status: criteria provided, multiple submitters, no conflicts (2 of 4 stars). 2 submissions from 2 submitters: Pathogenic (1); Likely pathogenic (1). Last evaluated 2025-01-02.

Conditions:
Albright hereditary osteodystrophy, pseudohypoparathyroidism, pseudopseudohypoparathyroidism, acrodysostosis and osteoma cutis.

Submissions (2):

Cambridge Genomics Laboratory, East Genomic Laboratory Hub, NHS Genomic Medicine Service
Classification: Likely pathogenic for Albright hereditary osteodystrophy, pseudohypoparathyroidism, pseudopseudohypoparathyroidism, acrodysostosis and osteoma cutis. Last evaluated: 2025-01-02. Review status: criteria provided, single submitter. Criteria: ACGS Best Practice Guidelines for Variant Classification in Rare Disease 2020. Collection method: clinical testing. Allele origin: germline. Affected: yes.
Comment: PS1,PM2,PP4_Moderate

Labcorp Genetics (formerly Invitae), Labcorp
Classification: Pathogenic. Last evaluated: 2024-08-08. Review status: criteria provided, single submitter. Criteria: Invitae Variant Classification Sherloc (09022015). Collection method: clinical testing. Allele origin: germline.
Comment: This sequence change affects the initiator methionine of the GNAS mRNA. The next in-frame methionine is located at codon 60. This variant is not present in population databases (gnomAD no frequency). Disruption of the initiator codon has been observed in individual(s) with GNAS-related conditions (PMID: 2109828, 21713996). In at least one individual the variant was observed to be de novo. Algorithms developed to predict the effect of variants on gene product structure and function are not available or were not evaluated for this variant. Experimental studies have shown that disruption of the initiator codon affects GNAS function (PMID: 21713996). For these reasons, this variant has been classified as Pathogenic.

Literature cited by the submitters: PubMed 2109828 (cited by Labcorp Genetics (formerly Invitae), Labcorp); PubMed 21713996 (cited by Labcorp Genetics (formerly Invitae), Labcorp).

NM_000516.7(GNAS):c.-1_2del (p.Met1del)

Gene: GNAS (GNAS complex locus; plus strand). Cytogenetic location: 20q13.32.
Variant type: Deletion.
Coding change: c.-1_2del on transcript NM_000516.7 (MANE Select); 1 bases upstream of the start codon through coding-DNA position 2, 3 bases deleted (CAT; older notation c.-1_2delCAT).
Protein change: p.Met1del; deletes methionine 1.
Molecular consequence: inframe deletion, initiator codon variant. On other transcripts: intron variant (8).
Genome position (GRCh38, 1-based): chr20:58,891,726-58,891,728, CAT deleted. VCF-style (leftmost placement, unchanged base first): chr20-58891725-CCAT-C. GRCh37 (hg19) VCF-style: chr20-57466780-CCAT-C.
Other names: c.2069-3886_2069-3884del (NM_001410913.1, NM_080425.4); c.*159-3886_*159-3884del (NM_001309883.1); c.-39+2373_-39+2375del (NM_001309840.2); c.-1_2del, p.Met1del (NM_001077488.5, NM_001077489.4, NM_001309842.2 and 1 more transcripts); c.*43-3886_*43-3884del (NM_016592.5); c.44-3886_44-3884del (NM_001410912.1); c.-38-3886_-38-3884del (NM_001309861.2); c.*1-3886_*1-3884del (NM_001077490.3); short protein forms M1del.
Identifiers: ClinVar variation 2832188 (VCV002832188.4), dbSNP rs2516794697, ClinGen allele CA2739277234.